The following is an entry in ClinVar:

NM_006030.4(CACNA2D2):c.709G>C (p.Glu237Gln)

Gene: CACNA2D2 (calcium voltage-gated channel auxiliary subunit alpha2delta 2; minus strand). Cytogenetic location: 3p21.31.
Variant type: single nucleotide variant.
Coding change: c.709G>C on transcript NM_006030.4 (MANE Select); coding-DNA position 709, G replaced by C.
Protein change: p.Glu237Gln; replaces glutamic acid 237 with glutamine.
Molecular consequence: missense variant.
Genome position (GRCh38, 1-based): chr3:50,381,070, C>G on the plus strand (G>C on the coding strand, the complement: CACNA2D2 is on the minus strand). VCF-style: chr3-50381070-C-G. GRCh37 (hg19) VCF-style: chr3-50418501-C-G.
Other names: c.709G>C, p.Glu237Gln (NM_001005505.3, NM_001174051.3, NM_001410768.1); c.502G>C, p.Glu168Gln (NM_001291101.1); short protein forms E168Q, E237Q.
Identifiers: ClinVar variation 2085925 (VCV002085925.4), dbSNP rs1553730554, ClinGen allele CA352940230.
Genomic context (GRCh38, chr3:50,381,070, plus strand): 5'-TGACTCCTGTGGCGCTGCCGAAGACCTGCCACAGCAGTGTGGGGTCTTGTCTGCGGTTTT[C>G]CATGAACACATTCTCCAGGGCCTCTGTCCAGTTGAGCTCATTGAGGATGACAGTGGCTGG-3'
Protein context (NP_006021.2, residues 227-247): WTEALENVFM[Glu237Gln]NRRQDPTLLW

ClinVar aggregate classification (germline): Uncertain significance (1 of 4 stars; one submission).

Conditions:
Early-infantile DEE. Also called: Ohtahara syndrome; Early infantile epileptic encephalopathy with suppression bursts; Early infantile epileptic encephalopathy. Identifiers: Orphanet 1934, MedGen C0393706, MONDO:0800491.

Submission:

Labcorp Genetics (formerly Invitae), Labcorp
Classification: Uncertain significance for Early-infantile DEE. Last evaluated: 2022-01-16. Review status: criteria provided, single submitter. Criteria: Invitae Variant Classification Sherloc (09022015). Collection method: clinical testing. Allele origin: germline.
Comment: In summary, the available evidence is currently insufficient to determine the role of this variant in disease. Therefore, it has been classified as a Variant of Uncertain Significance. Algorithms developed to predict the effect of missense changes on protein structure and function (SIFT, PolyPhen-2, Align-GVGD) all suggest that this variant is likely to be tolerated. This variant has not been reported in the literature in individuals affected with CACNA2D2-related conditions. This variant is not present in population databases (gnomAD no frequency). This sequence change replaces glutamic acid, which is acidic and polar, with glutamine, which is neutral and polar, at codon 237 of the CACNA2D2 protein (p.Glu237Gln).